The following is an entry in ClinVar:

ClinVar aggregate classification (germline): Conflicting classifications of pathogenicity. Review status: criteria provided, conflicting classifications (1 of 4 stars). 12 submissions from 12 submitters: Uncertain significance (10); Likely benign (1). 1 of the submissions does not count toward it. Last evaluated 2025-10-01.

Conditions:
Hereditary cancer-predisposing syndrome. Also called: Hereditary Cancer Syndrome; Neoplastic Syndromes, Hereditary; Tumor predisposition; Hereditary neoplastic syndrome. Identifiers: Orphanet 140162, MedGen C0027672, MeSH D009386, MONDO:0015356.
Chordoma. Identifiers: Orphanet 178, MedGen C0008487, MONDO:0008978, HP:0010762.
Fanconi anemia complementation group N. Also called: PALB2-Related Fanconi Anemia. Identifiers: Orphanet 84, MedGen C1835817, MONDO:0012565, OMIM 610832. Disease mechanism: loss of function.
Pancreatic cancer, susceptibility to, 3. Identifiers: Orphanet 1333, MedGen C3150547, MONDO:0013236, OMIM 613348.
Familial cancer of breast. Also called: Hereditary breast cancer; hereditary breast carcinoma; BREAST CANCER, FAMILIAL. Identifiers: Orphanet 227535, MedGen C0346153, MONDO:0016419, OMIM 114480. Disease mechanism: loss of function.

Allele frequency attached by ClinVar (database versions not stated): gnomAD exomes below 0.00001; TOPMed below 0.00001; ExAC 0.00001; gnomAD 0.00001.
gnomAD v4.1: 8 of 1,613,782 alleles (0.0005%); highest among the groups gnomAD compares: South Asian, 0.0033%; no homozygotes.

Submissions (12):

Labcorp Genetics (formerly Invitae), Labcorp
Classification: Uncertain significance for Familial cancer of breast. Last evaluated: 2025-10-01. Review status: criteria provided, single submitter. Criteria: Invitae Variant Classification Sherloc (09022015). Collection method: clinical testing. Allele origin: germline.
Comment: This sequence change replaces serine, which is neutral and polar, with leucine, which is neutral and non-polar, at codon 1165 of the PALB2 protein (p.Ser1165Leu). This variant is present in population databases (rs773829275, gnomAD 0.006%). This missense change has been observed in individual(s) with breast cancer, clinical features of Cowden syndrome, and/or pancreatic cancer (PMID: 27106063, 30303537, 30680046). ClinVar contains an entry for this variant (Variation ID: 232781). An algorithm developed to predict the effect of missense changes on protein structure and function (PolyPhen-2) suggests that this variant is likely to be disruptive. Experimental studies have shown that this missense change does not substantially affect PALB2 function (PMID: 31636395). In summary, the available evidence is currently insufficient to determine the role of this variant in disease. Therefore, it has been classified as a Variant of Uncertain Significance.

Color Diagnostics, LLC DBA Color Health
Classification: Uncertain significance for Hereditary cancer-predisposing syndrome. Last evaluated: 2025-09-10. Review status: criteria provided, single submitter. Criteria: ACMG Guidelines, 2015. Collection method: clinical testing. Allele origin: germline.
Comment: This missense variant replaces serine with leucine at codon 1165 of the PALB2 protein. Computational prediction suggests that this variant may not impact protein structure and function. A functional study has shown that this variant does not affect PALB2 function in a homology directed repair (HDR) assay (PMID 31636395). This variant has been reported in at least three individuals affected with breast cancer (PMID: 30303537, 33471991Leiden Open Variation Database DB-ID PALB2_010610) and two unaffected individuals (and an online resource). This variant also has been reported in one individual each affected with pancreatic cancer and Cowden syndrome (PMID: 27106063, 30680046). This variant has been identified in 1/251476 chromosomes in the general population by the Genome Aggregation Database (gnomAD). The available evidence is insufficient to determine the role of this variant in disease conclusively. Therefore, this variant is classified as a Variant of Uncertain Significance.

Myriad Genetics, Inc.
Classification: Likely benign for Familial cancer of breast. Last evaluated: 2025-01-22. Review status: criteria provided, single submitter. Criteria: Myriad Autosomal Dominant, Autosomal Recessive and X-Linked Classification Criteria (2023). Collection method: clinical testing. Allele origin: unknown.
Comment: This variant is considered likely benign. This variant is strongly associated with less severe personal and family histories of cancer, typical for individuals without pathogenic variants in this gene [PMID: 25085752].

Molecular Diagnostics Laboratory, Catalan Institute of Oncology
Classification: Uncertain significance for Hereditary cancer-predisposing syndrome. Last evaluated: 2025-01-13. Review status: criteria provided, single submitter. Criteria: ClinGen ACMG Specifications PALB2 V1.0.0. Collection method: clinical testing. Allele origin: germline.
Comment: BP1 c.3494C>T, located in exon 13 of the PALB2 gene, is predicted to result in the substitution of serine by leucine at codon 1165, p.(Ser1165Leu). The SpliceAI algorithm predicts no significant impact on splicing and there is a very low likelihood that missense variants are pathogenic in PALB2 (BP1). This variant is found in 1/268293 in the gnomAD v2.1.1 database (non-cancer data set). A functional study has been reported for this variant (PMID: 31636395); however, following ClinGen VCEP recommendation, this information cannot be used for variant classification because functional studies have not been validated for PALB2 gene. The variant has been reported in the ClinVar (8x uncertain significance) and the LOVD (2 likely benign, 2x not classified) databases. Based on the currently available information, c.3494C>T is classified as an uncertain significance variant according to ClinGen-PALB2 Guidelines version v1.0.0.

Molecular Pathology, Peter Maccallum Cancer Centre
Classification: Uncertain significance for Familial cancer of breast. Last evaluated: 2024-11-11. Review status: criteria provided, single submitter. Criteria: ACMG Guidelines, 2015. Collection method: clinical testing. Allele origin: germline. Inheritance: Autosomal dominant inheritance.

Ambry Genetics
Classification: Uncertain significance for Hereditary cancer-predisposing syndrome. Last evaluated: 2024-06-20. Review status: criteria provided, single submitter. Criteria: Ambry Variant Classification Scheme 2023. Collection method: clinical testing. Allele origin: germline.
Comment: The p.S1165L variant (also known as c.3494C>T), located in coding exon 13 of the PALB2 gene, results from a C to T substitution at nucleotide position 3494. The serine at codon 1165 is replaced by leucine, an amino acid with dissimilar properties. This alteration was reported in a cohort of 152 unselected Czech patients with pancreatic ductal adenocarcinoma and not in 1226 healthy controls (Borecka M et al. Cancer Genet, 2016 May;209:199-204). This alteration has also been identified in multiple individuals diagnosed with breast cancer (Hauke J et al. Cancer Med, 2018 04;7:1349-1358; Girard E et al. Int. J. Cancer, 2019 04;144:1962-1974). This amino acid position is highly conserved in available vertebrate species. In addition, the in silico prediction for this alteration is inconclusive. Based on the available evidence, the clinical significance of this variant remains unclear.

Baylor Genetics
Classification: Uncertain significance for Familial cancer of breast. Last evaluated: 2023-12-28. Review status: criteria provided, single submitter. Criteria: ACMG Guidelines, 2015. Collection method: clinical testing. Allele origin: unknown.

Quest Diagnostics Nichols Institute San Juan Capistrano
Classification: Uncertain significance. Last evaluated: 2023-12-26. Review status: criteria provided, single submitter. Criteria: Quest Diagnostics criteria. Collection method: clinical testing. Allele origin: unknown.
Comment: The PALB2 c.3494C>T (p.Ser1165Leu) variant has been reported in the published literature in individuals affected with Cowden syndrome (PMID: 30680046 (2019)), breast cancer (PMIDs: 30303537 (2019), 29522266 (2018)), pancreatic ductal adenocarcinoma (PMID: 27106063 (2016)) and chordoma (PMID: 35762214 (2022)). Additionally, a functional study suggests that the variant is not damaging to PALB2 protein function (PMID: 31636395 (2020)). The frequency of this variant in the general population, 0.000004 (1/251476 chromosomes (Genome Aggregation Database)), is uninformative in the assessment of its pathogenicity. Analysis of this variant using bioinformatics tools for the prediction of the effect of amino acid changes on protein structure and function yielded conflicting predictions that this variant is benign or damaging. Based on the available information, we are unable to determine the clinical significance of this variant.

GeneDx
Classification: Uncertain significance. Last evaluated: 2023-10-05. Review status: criteria provided, single submitter. Criteria: GeneDx Variant Classification Process June 2021. Collection method: clinical testing. Allele origin: germline. Affected: yes.
Comment: Observed in individuals with pancreatic cancer (Borecka et al., 2016); Co-occurred with a pathogenic PTEN variant in an individual with Cowden syndrome (Henn et al., 2019); Not observed at a significant frequency in large population cohorts (gnomAD); In silico analysis, which includes protein predictors and evolutionary conservation, supports a deleterious effect; This variant is associated with the following publications: (PMID: 30303537, 35762214, 31636395, 27106063, 30680046, 19609323, 20871615, 24485656)

Fulgent Genetics
Classification: Uncertain significance for Familial cancer of breast; Fanconi anemia complementation group N; Pancreatic cancer, susceptibility to, 3. Last evaluated: 2021-12-14. Review status: criteria provided, single submitter. Criteria: ACMG Guidelines, 2015. Collection method: clinical testing. Allele origin: unknown.

Illumina Laboratory Services, Illumina
Classification: Uncertain significance for Fanconi anemia complementation group N. Last evaluated: 2018-03-02. Review status: criteria provided, single submitter. Criteria: ICSL Variant Classification Criteria 13 December 2019. Collection method: clinical testing. Allele origin: germline.

Integrative Tumor Epidemiology Branch, National Institutes of Health
Classification: Uncertain significance for Chordoma. Last evaluated: 2021-03-22. Review status: no assertion criteria provided. Collection method: research. Allele origin: germline. Affected: yes. Observed: 1 variant allele. Not counted in ClinVar's aggregate classification.
Comment: Modestly reduce HRR activity and BRCA2 binding

Literature cited by the submitters: PubMed 27106063 (cited by 4 submitters); PubMed 30303537 (cited by 4 submitters); PubMed 30680046 (cited by 4 submitters); PubMed 31636395 (cited by 4 submitters); PubMed 33471991 (cited by Color Diagnostics, LLC DBA Color Health); PubMed 25085752 (cited by Myriad Genetics, Inc.); PubMed 29522266 (cited by Ambry Genetics and Quest Diagnostics Nichols Institute San Juan Capistrano); PubMed 35762214 (cited by Quest Diagnostics Nichols Institute San Juan Capistrano).

NM_024675.4(PALB2):c.3494C>T (p.Ser1165Leu)

Gene: PALB2 (partner and localizer of BRCA2; minus strand). Cytogenetic location: 16p12.2.
Variant type: single nucleotide variant.
Coding change: c.3494C>T on transcript NM_024675.4 (MANE Select); coding-DNA position 3494, C replaced by T.
Protein change: p.Ser1165Leu; replaces serine 1165 with leucine.
Molecular consequence: missense variant.
Genome position (GRCh38, 1-based): chr16:23,603,526, G>A on the plus strand (C>T on the coding strand, the complement: PALB2 is on the minus strand). VCF-style: chr16-23603526-G-A. GRCh37 (hg19) VCF-style: chr16-23614847-G-A.
Other names: short protein forms S1165L.
Identifiers: ClinVar variation 232781 (VCV000232781.36), dbSNP rs773829275, ClinGen allele CA7963328.